The following is an entry in ClinVar:

ClinVar aggregate classification (germline): Likely benign. Review status: criteria provided, multiple submitters, no conflicts (2 of 4 stars). 3 submissions from 3 submitters: Likely benign (3). Last evaluated 2026-01-13.

Allele frequency attached by ClinVar (database versions not stated): gnomAD exomes 0.00001; gnomAD 0.00008 and 0.00009; TOPMed 0.00014.
gnomAD v4.1: 69 of 987,210 alleles (0.007%); highest among the groups gnomAD compares: East Asian, 0.19%; 2 homozygotes.

Submissions (3):

Labcorp Genetics (formerly Invitae), Labcorp
Classification: Likely benign. Last evaluated: 2026-01-13. Review status: criteria provided, single submitter. Criteria: Invitae Variant Classification Sherloc (09022015). Collection method: clinical testing. Allele origin: germline.

CeGaT Center for Human Genetics Tuebingen
Classification: Likely benign. Last evaluated: 2025-11-01. Review status: criteria provided, single submitter. Criteria: CeGaT Center For Human Genetics Tuebingen Variant Classification Criteria Version 2. Collection method: clinical testing. Allele origin: germline. Affected: yes. Observed: 2 variant alleles.
Comment: KMT2B: BP4, BP7

Blueprint Genetics
Classification: Likely benign. Last evaluated: 2024-11-25. Review status: criteria provided, single submitter. Criteria: ACMG Guidelines, 2015. Collection method: clinical testing. Allele origin: germline.

NM_014727.3(KMT2B):c.60C>T (p.Phe20=)

Genes: KMT2B (lysine methyltransferase 2B; plus strand), LOC130064257 (ATAC-STARR-seq lymphoblastoid silent region 10534; plus strand). Cytogenetic location: 19q13.12.
Variant type: single nucleotide variant.
Coding change: c.60C>T on transcript NM_014727.3 (MANE Select); coding-DNA position 60, C replaced by T.
Protein change: p.Phe20=; no amino-acid change (phenylalanine 20 retained).
Molecular consequence: synonymous variant.
Genome position (GRCh38, 1-based): chr19:35,718,078, C>T. VCF-style: chr19-35718078-C-T. GRCh37 (hg19) VCF-style: chr19-36208980-C-T.
Identifiers: ClinVar variation 708351 (VCV000708351.35), dbSNP rs1390031315, ClinGen allele CA507304580.